The following is an entry in ClinVar:

NM_001372123.1(IKZF5):c.897C>T (p.Ala299=)

Gene: IKZF5 (IKAROS family zinc finger 5; minus strand). Cytogenetic location: 10q26.13.
Variant type: single nucleotide variant.
Coding change: c.897C>T on transcript NM_001372123.1 (MANE Select); coding-DNA position 897, C replaced by T.
Protein change: p.Ala299=; no amino-acid change (alanine 299 retained).
Molecular consequence: synonymous variant.
Genome position (GRCh38, 1-based): chr10:122,994,143, G>A on the plus strand (C>T on the coding strand, the complement: IKZF5 is on the minus strand). VCF-style: chr10-122994143-G-A. GRCh37 (hg19) VCF-style: chr10-124753659-G-A.
Other names: c.897C>T, p.Ala299= (NM_001271840.1, NM_001372125.1, NM_001372126.1 and 3 more transcripts); c.693C>T, p.Ala231= (NM_001372124.1, NM_001372129.1, NM_001372130.1 and 1 more transcripts).
Identifiers: ClinVar variation 1879148 (VCV001879148.29), dbSNP rs770508683, ClinGen allele CA5730436.
Genomic context (GRCh38, chr10:122,994,143, plus strand): 5'-ATGGGATGGCCGAGGTTCTGGGCTTGTGGGAGAGGAGCTCTGAGGAATACTTGCTGATAC[G>A]GCAGAAACTACTGCTTGGGTAGAGGGCTGCTGAATCATGAAAGGCTTTTCATCAGGGCAG-3'
Protein context (NP_001359052.1, residues 289-309): QQPSTQAVVS[Ala299=]VSASIPQSSS

ClinVar aggregate classification (germline): Likely benign (1 of 4 stars; one submission).

Allele frequency attached by ClinVar (database versions not stated): gnomAD 0.00001; ExAC 0.00002; gnomAD exomes 0.00002; TOPMed 0.00002.
gnomAD v4.1: 33 of 1,613,944 alleles (0.002%); highest among the groups gnomAD compares: East Asian, 0.018%; no homozygotes.

Submission:

CeGaT Center for Human Genetics Tuebingen
Classification: Likely benign. Last evaluated: 2022-10-01. Review status: criteria provided, single submitter. Criteria: CeGaT Center For Human Genetics Tuebingen Variant Classification Criteria Version 2. Collection method: clinical testing. Allele origin: germline. Affected: yes. Observed: 1 variant allele.
Comment: IKZF5: BP4, BP7